The following is an entry in ClinVar:

ClinVar aggregate classification (germline): Uncertain significance (1 of 4 stars; one submission).

Conditions:
Schimke immuno-osseous dysplasia (SIOD). Also called: Schimke Immunoosseous Dysplasia. Identifiers: Orphanet 1830, MedGen C0877024, MONDO:0009458, OMIM 242900.

gnomAD v4.1: 46 of 1,598,472 alleles (0.0029%); highest among the groups gnomAD compares: Non-Finnish European, 0.0037%; no homozygotes.

Submission:

Labcorp Genetics (formerly Invitae), Labcorp
Classification: Uncertain significance for Schimke immuno-osseous dysplasia. Last evaluated: 2024-07-31. Review status: criteria provided, single submitter. Criteria: Invitae Variant Classification Sherloc (09022015). Collection method: clinical testing. Allele origin: germline.
Comment: This sequence change replaces tyrosine, which is neutral and polar, with cysteine, which is neutral and slightly polar, at codon 716 of the SMARCAL1 protein (p.Tyr716Cys). This variant is present in population databases (rs758768369, gnomAD 0.004%). This variant has not been reported in the literature in individuals affected with SMARCAL1-related conditions. Advanced modeling of protein sequence and biophysical properties (such as structural, functional, and spatial information, amino acid conservation, physicochemical variation, residue mobility, and thermodynamic stability) performed at Invitae indicates that this missense variant is expected to disrupt SMARCAL1 protein function with a positive predictive value of 80%. In summary, the available evidence is currently insufficient to determine the role of this variant in disease. Therefore, it has been classified as a Variant of Uncertain Significance.

NM_014140.4(SMARCAL1):c.2147A>G (p.Tyr716Cys)

Gene: SMARCAL1 (SNF2 related chromatin remodeling annealing helicase 1; plus strand). Cytogenetic location: 2q35.
Variant type: single nucleotide variant.
Coding change: c.2147A>G on transcript NM_014140.4 (MANE Select); coding-DNA position 2147, A replaced by G.
Protein change: p.Tyr716Cys; replaces tyrosine 716 with cysteine.
Molecular consequence: missense variant.
Genome position (GRCh38, 1-based): chr2:216,467,949, A>G. VCF-style: chr2-216467949-A-G. GRCh37 (hg19) VCF-style: chr2-217332672-A-G.
Other names: c.2147A>G, p.Tyr716Cys (NM_001127207.2); short protein forms Y716C.
Identifiers: ClinVar variation 3664636 (VCV003664636.2).
Genomic context (GRCh38, chr2:216,467,949, plus strand): 5'-CATAAAACATAAGGAGTATATGTTTAATCTGTTTTGTTGTCATTGTCAAATGCAGTGAAT[A>G]TATCTTGGACCTACTGGAAAGTGGAAGAGAGAAGTTTTTAGTATTTGCACACCATAAGGT-3'
Protein context (NP_054859.2, residues 706-726): AEAKIPSVIE[Tyr716Cys]ILDLLESGRE